The following is an entry in ClinVar:

ClinVar aggregate classification (germline): Pathogenic. Review status: criteria provided, multiple submitters, no conflicts (2 of 4 stars). 4 submissions from 4 submitters: Pathogenic (2). 2 of the submissions do not count toward it. Last evaluated 2025-01-11.

Conditions:
Lissencephaly. Also called: Lissencephaly spectrum disorders. Identifiers: Orphanet 48471, MedGen C0266463, MeSH D054082, MONDO:0018838, HP:0001339.
Charcot-Marie-Tooth disease axonal type 2O. Also called: CHARCOT-MARIE-TOOTH NEUROPATHY, AXONAL, TYPE 2O; CHARCOT-MARIE-TOOTH DISEASE, AXONAL, AUTOSOMAL DOMINANT, TYPE 2O; Charcot-Marie-Tooth disease, axonal, type 20; Charcot-Marie-Tooth Neuropathy Type 2O. Identifiers: Orphanet 284232, MedGen C3280220, MONDO:0013644, OMIM 614228.
Seizure. Also called: Seizures. Identifiers: MedGen C0036572, HP:0001250.

Submissions (4):

Labcorp Genetics (formerly Invitae), Labcorp
Classification: Pathogenic for Charcot-Marie-Tooth disease axonal type 2O. Last evaluated: 2025-01-11. Review status: criteria provided, single submitter. Criteria: Invitae Variant Classification Sherloc (09022015). Collection method: clinical testing. Allele origin: germline.
Comment: This sequence change replaces arginine, which is basic and polar, with tryptophan, which is neutral and slightly polar, at codon 3344 of the DYNC1H1 protein (p.Arg3344Trp). This variant is not present in population databases (gnomAD no frequency). This missense change has been observed in individuals with clinical features of DYNC1H1-related intellectual disability syndrome with cortical brain malformations (PMID: 29671837; internal data). ClinVar contains an entry for this variant (Variation ID: 996573). Invitae Evidence Modeling of protein sequence and biophysical properties (such as structural, functional, and spatial information, amino acid conservation, physicochemical variation, residue mobility, and thermodynamic stability) indicates that this missense variant is expected to disrupt DYNC1H1 protein function with a positive predictive value of 95%. This variant disrupts the p.Arg3344 amino acid residue in DYNC1H1. Other variant(s) that disrupt this residue have been determined to be pathogenic (PMID: 23603762, 28196890). This suggests that this residue is clinically significant, and that variants that disrupt this residue are likely to be disease-causing. For these reasons, this variant has been classified as Pathogenic.

GeneDx
Classification: Pathogenic. Last evaluated: 2023-05-23. Review status: criteria provided, single submitter. Criteria: GeneDx Variant Classification Process June 2021. Collection method: clinical testing. Allele origin: germline. Affected: yes.
Comment: Not observed at significant frequency in large population cohorts (gnomAD); In silico analysis supports that this missense variant has a deleterious effect on protein structure/function; This variant is associated with the following publications: (PMID: 29671837, 26100331, 25512093, 25609763)

Yale Center for Mendelian Genomics, Yale University
Classification: Likely pathogenic for Seizure. Last evaluated: 2021-04-05. Review status: no assertion criteria provided. Collection method: literature only. Allele origin: de novo. Affected: yes. Observed: 1 heterozygote. Study: Yale Center for Mendelian Genomics. Not counted in ClinVar's aggregate classification.

University of Washington Center for Mendelian Genomics, University of Washington
Classification: Likely pathogenic for lissencephaly. Review status: no assertion criteria provided. Collection method: research. Allele origin: unknown. Affected: yes. Not counted in ClinVar's aggregate classification.

Literature cited by the submitters: PubMed 29671837 (cited by Labcorp Genetics (formerly Invitae), Labcorp and University of Washington Center for Mendelian Genomics, University of Washington); PubMed 23603762 (cited by Labcorp Genetics (formerly Invitae), Labcorp); PubMed 28196890 (cited by Labcorp Genetics (formerly Invitae), Labcorp); PubMed 33818783 (cited by Yale Center for Mendelian Genomics, Yale University).

NM_001376.5(DYNC1H1):c.10030C>T (p.Arg3344Trp)

Gene: DYNC1H1 (dynein cytoplasmic 1 heavy chain 1; plus strand). Cytogenetic location: 14q32.31.
Variant type: single nucleotide variant.
Coding change: c.10030C>T on transcript NM_001376.5 (MANE Select); coding-DNA position 10030, C replaced by T.
Protein change: p.Arg3344Trp; replaces arginine 3344 with tryptophan.
Molecular consequence: missense variant.
Genome position (GRCh38, 1-based): chr14:102,032,418, C>T. VCF-style: chr14-102032418-C-T. GRCh37 (hg19) VCF-style: chr14-102498755-C-T.
Other names: short protein forms R3344W.
Identifiers: ClinVar variation 996573 (VCV000996573.10), dbSNP rs2048519381, ClinGen allele CA391020957.
Genomic context (GRCh38, chr14:102,032,418, plus strand): 5'-ATCTGCCTGCTGCTGGGGGAAAGCACCACAGACTGGAAGCAGATCCGCTCCATCATCATG[C>T]GGGAGAACTTCATCCCCACCATCGTCAACTTCTCTGCAGAGGAGATCAGGTGAGAAAGTG-3'
Protein context (NP_001367.2, residues 3334-3354): DWKQIRSIIM[Arg3344Trp]ENFIPTIVNF